The following is an entry in ClinVar:

ClinVar aggregate classification (germline): Uncertain significance (1 of 4 stars; one submission).

Submission:

Dasa
Classification: Uncertain significance. Last evaluated: 2026-01-09. Review status: criteria provided, single submitter. Criteria: DASA Assertion Criteria. Collection method: clinical testing. Allele origin: germline.
Comment: NM_001366145.2(TRPM3):c.3326T>A (p.Leu1109His) is a missense variant that results in the substitution of leucine with histidine. This variant is absent from population databases. Computational prediction algorithms are consistent with a deleterious effect. The currently available literature and clinical evidence are not sufficient to establish a definitive association between this variant and the reported condition. Therefore, this variant is classified as a variant of uncertain significance.

NM_001366145.2(TRPM3):c.3326T>A (p.Leu1109His)

Gene: TRPM3 (transient receptor potential cation channel subfamily M member 3; minus strand). Cytogenetic location: 9q21.12.
Variant type: single nucleotide variant.
Coding change: c.3326T>A on transcript NM_001366145.2 (MANE Select); coding-DNA position 3326, T replaced by A.
Protein change: p.Leu1109His; replaces leucine 1109 with histidine.
Molecular consequence: missense variant.
Genome position (GRCh38, 1-based): chr9:70,553,208, A>T on the plus strand (T>A on the coding strand, the complement: TRPM3 is on the minus strand). VCF-style: chr9-70553208-A-T. GRCh37 (hg19) VCF-style: chr9-73168124-A-T.
Other names: c.3332T>A, p.Leu1111His (NM_001366142.2); c.3296T>A, p.Leu1099His (NM_001366143.2, NM_001366149.2, NM_001366141.2); c.3326T>A, p.Leu1109His (NM_001366146.2); c.3401T>A, p.Leu1134His (NM_001366147.2, NM_001366152.2); c.3371T>A, p.Leu1124His (NM_001366148.2); c.3260T>A, p.Leu1087His (NM_001366150.2); c.3290T>A, p.Leu1097His (NM_001366151.2, NM_001007471.4); c.2867T>A, p.Leu956His (NM_001366154.2, NM_024971.7); and 5 more; short protein forms L1087H, L1097H, L1099H, L1109H, L1111H, L1124H, L1134H, L934H.
Identifiers: ClinVar variation 4885140 (VCV004885140.2).
Genomic context (GRCh38, chr9:70,553,208, plus strand): 5'-GGACCCACTTACTTAAAGACAGCAATGAGGAGGTTGACCAGCAAGATGTTTGCCACTAAG[A>T]GGTAGCAGGCCATGATGGCCGGCACGATCCAAGCTCCTGTCTTGCAGGGAGGCAGCTGGA-3'
Protein context (NP_001353074.1, residues 1099-1119): WIVPAIMACY[Leu1109His]LVANILLVNL